The following is an entry in ClinVar:

ClinVar aggregate classification (germline): Uncertain significance (1 of 4 stars; one submission).

gnomAD v4.1: 9 of 1,614,244 alleles (0.00056%); highest among the groups gnomAD compares: Non-Finnish European, 0.00076%; no homozygotes.

Submission:

Labcorp Genetics (formerly Invitae), Labcorp
Classification: Uncertain significance. Last evaluated: 2024-07-23. Review status: criteria provided, single submitter. Criteria: Invitae Variant Classification Sherloc (09022015). Collection method: clinical testing. Allele origin: germline.
Comment: This sequence change replaces glutamine, which is neutral and polar, with histidine, which is basic and polar, at codon 309 of the SIAE protein (p.Gln309His). This variant is present in population databases (no rsID available, gnomAD 0.0009%). This variant has not been reported in the literature in individuals affected with SIAE-related conditions. ClinVar contains an entry for this variant (Variation ID: 1968595). An algorithm developed to predict the effect of missense changes on protein structure and function (PolyPhen-2) suggests that this variant is likely to be tolerated. In summary, the available evidence is currently insufficient to determine the role of this variant in disease. Therefore, it has been classified as a Variant of Uncertain Significance.

NM_170601.5(SIAE):c.927G>C (p.Gln309His)

Gene: SIAE (sialic acid acetylesterase; minus strand). Cytogenetic location: 11q24.2.
Variant type: single nucleotide variant.
Coding change: c.927G>C on transcript NM_170601.5 (MANE Select); coding-DNA position 927, G replaced by C.
Protein change: p.Gln309His; replaces glutamine 309 with histidine.
Molecular consequence: missense variant.
Genome position (GRCh38, 1-based): chr11:124,647,404, C>G on the plus strand (G>C on the coding strand, the complement: SIAE is on the minus strand). VCF-style: chr11-124647404-C-G. GRCh37 (hg19) VCF-style: chr11-124517300-C-G.
Other names: c.822G>C, p.Gln274His (NM_001199922.2); short protein forms Q274H, Q309H.
Identifiers: ClinVar variation 1968595 (VCV001968595.5), dbSNP rs1252548100, ClinGen allele CA383148487.